The following is an entry in ClinVar:

NM_016341.4(PLCE1):c.3133G>T (p.Ala1045Ser)

Gene: PLCE1 (phospholipase C epsilon 1; plus strand). Cytogenetic location: 10q23.33.
Variant type: single nucleotide variant.
Coding change: c.3133G>T on transcript NM_016341.4 (MANE Select); coding-DNA position 3133, G replaced by T.
Protein change: p.Ala1045Ser; replaces alanine 1045 with serine.
Molecular consequence: missense variant.
Genome position (GRCh38, 1-based): chr10:94,252,352, G>T. VCF-style: chr10-94252352-G-T. GRCh37 (hg19) VCF-style: chr10-96012109-G-T.
Other names: c.2209G>T, p.Ala737Ser (NM_001165979.2); c.3133G>T, p.Ala1045Ser (NM_001288989.2); short protein forms A1045S, A737S.
Identifiers: ClinVar variation 301710 (VCV000301710.11), dbSNP rs200419008, ClinGen allele CA5612785.
Genomic context (GRCh38, chr10:94,252,352, plus strand): 5'-GTTCACCATGTGGCTCTTTCACAGGAGGATGGACGGTATGAAGGCCCAACTTTGGCTCAC[G>T]CTGTGGAGTTGTTTGGTGGCAGACGGTGGAGTGCTCGAAACCCCAGCCCCGGAACATCAG-3'
Protein context (NP_057425.3, residues 1035-1055): GRYEGPTLAH[Ala1045Ser]VELFGGRRWS

ClinVar aggregate classification (germline): Conflicting classifications of pathogenicity. Review status: criteria provided, conflicting classifications (1 of 4 stars). 4 submissions from 4 submitters: Uncertain significance (2); Likely benign (1). 1 of the submissions does not count toward it. Last evaluated 2025-12-06.

Conditions:
PLCE1-related disorder. Also called: PLCE1-related condition.
Nephrotic syndrome, type 3 (NPHS3). Also called: NEPHROTIC SYNDROME, EARLY-ONSET, TYPE 3. Identifiers: Orphanet 656, MedGen C1853124, MONDO:0012546, OMIM 610725.

Allele frequency attached by ClinVar (database versions not stated): gnomAD 0.00013; TOPMed 0.00021.
gnomAD v4.1: 217 of 1,613,950 alleles (0.013%); highest among the groups gnomAD compares: Middle Eastern, 0.2%; 1 homozygote.

Submissions (4):

Labcorp Genetics (formerly Invitae), Labcorp
Classification: Likely benign. Last evaluated: 2025-12-06. Review status: criteria provided, single submitter. Criteria: Invitae Variant Classification Sherloc (09022015). Collection method: clinical testing. Allele origin: germline.

Illumina Laboratory Services, Illumina
Classification: Uncertain significance for Nephrotic syndrome, type 3. Last evaluated: 2018-01-13. Review status: criteria provided, single submitter. Criteria: ICSL Variant Classification Criteria 13 December 2019. Collection method: clinical testing. Allele origin: germline.

Breakthrough Genomics
Classification: Uncertain significance. Review status: criteria provided, single submitter. Criteria: ACMG Guidelines, 2015. Collection method: not provided. Allele origin: germline. Inheritance: Autosomal recessive inheritance. Affected: yes.

PreventionGenetics, part of Exact Sciences
Classification: Likely benign for PLCE1-related condition. Last evaluated: 2022-04-01. Review status: no assertion criteria provided. Collection method: clinical testing. Allele origin: germline. Not counted in ClinVar's aggregate classification.
Comment: This variant is classified as likely benign based on ACMG/AMP sequence variant interpretation guidelines (Richards et al. 2015 PMID: 25741868, with internal and published modifications).